The following is an entry in ClinVar:

NM_152558.5(IQCE):c.895_904del (p.Val301fs)

Gene: IQCE (IQ motif containing E; plus strand). Cytogenetic location: 7p22.3.
Variant type: Deletion.
Coding change: c.895_904del on transcript NM_152558.5 (MANE Select); coding-DNA positions 895 to 904, 10 bases deleted (CGGAGTGTCC; older notation c.895_904delCGGAGTGTCC).
Protein change: p.Val301fs; shifts the reading frame from valine 301.
Molecular consequence: frameshift variant.
Genome position (GRCh38, 1-based): chr7:2,586,278-2,586,287, CGGAGTGTCC deleted; deleting any 10 consecutive bases within chr7:2,586,273-2,586,287 gives the same sequence; the c. name uses the placement nearest the transcript's 3' end. VCF-style (leftmost placement, unchanged base first): chr7-2586272-TTGTCCCGGAG-T. GRCh37 (hg19) VCF-style: chr7-2625906-TTGTCCCGGAG-T.
Other names: c.895_904delCGGAGTGTCC (NM_152558.4, NM_152558.5); c.895_904del10 (NM_152558.4); c.895_904del, p.Val301fs (NM_001287499.2); c.847_856del, p.Val285fs (NM_001287500.2); c.700_709del, p.Val236fs (NM_001287501.2, NM_001287502.2); short protein forms V285fs, V236fs, V301fs.
Identifiers: ClinVar variation 638149 (VCV000638149.26), dbSNP rs773701437, ClinGen allele CA4128935.

ClinVar aggregate classification (germline): Conflicting classifications of pathogenicity. Review status: criteria provided, conflicting classifications (1 of 4 stars). 16 submissions from 15 submitters: Pathogenic (10); Likely pathogenic (1); Uncertain significance (1). 4 of the submissions do not count toward it. Last evaluated 2026-08-25.

Conditions:
IQCE-related disorder. Also called: IQCE-related condition.
Polydactyly, postaxial, type a7. Identifiers: MedGen C4539976, MONDO:0060550, OMIM 617642.
Retinal degeneration. Identifiers: MedGen C0035304, MeSH D012162, MONDO:0004580, HP:0000546.
Brachydactyly. Also called: Brachydactyly syndrome; Brachydactyly (disease). Identifiers: MedGen C0221357, MONDO:0021004, HP:0001156.
Syndactyly. Also called: Webbed fingers or toes. Identifiers: MedGen C0039075, MONDO:0021002, HP:0001159.
Polydactyly, postaxial, type A1. Identifiers: MedGen C4282400, MONDO:0008266, OMIM 174200.

Submissions (16):

PreventionGenetics, part of Exact Sciences
Classification: Likely pathogenic for IQCE-related condition. Last evaluated: 2026-08-25. Review status: criteria provided, single submitter. Criteria: ACMG Guidelines, 2015. Collection method: clinical testing. Allele origin: germline.
Comment: The IQCE c.895_904del10 variant is predicted to result in a frameshift and premature protein termination (p.Val301Serfs*8). This variant in the homozygous state or along with a second variant in this gene has been reported in multiple individuals with polydactyly (Estrada-Cuzcano et al 2020. PubMed ID: 31549751; Tilemis et al. 2023. PubMed ID: 37323200; Tilemis et al. 2023. PubMed ID: 37510394). This variant is reported in 0.18% of alleles in individuals of European (non-Finnish) descent in gnomAD. Frameshift variants in IQCE are expected to be pathogenic. This variant is interpreted as likely pathogenic.

First Genomix Gene Laboratory, Genetic Diagnostics Department
Classification: Pathogenic for Polydactyly, postaxial, type a7. Last evaluated: 2025-07-31. Review status: criteria provided, single submitter. Criteria: ACMG Guidelines, 2015. Collection method: clinical testing. Allele origin: germline. Inheritance: Autosomal recessive inheritance. Affected: no. Observed: 1 variant allele.

GeneDx
Classification: Pathogenic. Last evaluated: 2025-06-24. Review status: criteria provided, single submitter. Criteria: GeneDx Variant Classification Process June 2021. Collection method: clinical testing. Allele origin: germline.
Comment: Frameshift variant predicted to result in protein truncation or nonsense mediated decay in a gene for which loss of function is a known mechanism of disease; This variant is associated with the following publications: (PMID: 34426522, 31549751, 37510394, 37323200)

Laboratory of Genetics, Children's Clinical University Hospital Latvia
Classification: Pathogenic. Last evaluated: 2025-02-16. Review status: criteria provided, single submitter. Criteria: ACMG Guidelines, 2015. Collection method: clinical testing. Allele origin: germline. Affected: yes.

3billion
Classification: Pathogenic for Polydactyly, postaxial, type a7. Last evaluated: 2024-12-26. Review status: criteria provided, single submitter. Criteria: ACMG Guidelines, 2015. Collection method: clinical testing. Allele origin: germline. Affected: yes.
Comment: The variant is observed at an extremely low frequency in the gnomAD v4.1.0 dataset (total allele frequency: 0.145%). Predicted Consequence/Location: Frameshift: predicted to result in a loss or disruption of normal protein function through nonsense-mediated decay (NMD) or protein truncation. Multiple pathogenic variants are reported downstream of the variant. The variant has been reported at least twice as pathogenic with clinical assertions and evidence for the classification (ClinVar ID: VCV000638149 /PMID: 31549751 /3billion dataset). Therefore, this variant is classified as Pathogenic according to the recommendation of ACMG/AMP guideline.

Blueprint Genetics
Classification: Uncertain significance. Last evaluated: 2024-11-08. Review status: criteria provided, single submitter. Criteria: ACMG Guidelines, 2015. Collection method: clinical testing. Allele origin: germline.

Victorian Clinical Genetics Services, Murdoch Childrens Research Institute
Classification: Pathogenic for Polydactyly, postaxial, type a7. Last evaluated: 2024-10-11. Review status: criteria provided, single submitter. Criteria: ACMG Guidelines, 2015. Collection method: clinical testing. Allele origin: germline. Inheritance: Autosomal recessive inheritance. Affected: yes.
Comment: Based on the classification scheme VCGS_Germline_v1.3.5, this variant is classified as Pathogenic. Following criteria are met: 0102 - Loss of function is a known mechanism of disease in this gene and is associated with postaxial polydactyly type A7 (MIM#617642). (I) 0106 - This gene is associated with autosomal recessive disease. (I) 0115 - Variants in this gene are known to have variable expressivity. Intrafamilial variability has been described (OMIM). (I) 0201 - Variant is predicted to cause nonsense-mediated decay (NMD) and loss of protein (premature termination codon is located at least 54 nucleotides upstream of the final exon-exon junction). (SP) 0251 - This variant is heterozygous. (I) 0304 - Variant is present in gnomAD <0.01 for a recessive condition (v4: 2324 heterozygotes, 6 homozygotes). (SP) 0702 - Other NMD-predicted variants comparable to the one identified in this case have strong previous evidence for pathogenicity. At least four NMD-predicted variants have been reported in individuals with postaxial polydactyly (ClinVar, VCGS, PMIDs: 31549751, 28488682, 35599849). (SP) 0801 - This variant has strong previous evidence of pathogenicity in unrelated individuals. This variant has been classified as likely pathogenic/pathogenic by multiple clinical laboratories and has been reported in homozygous and compound heterozygous families with postaxial polydactyly and brachydactyly (ClinVar, PMID: 31549751). (I) Legend: (SP) - Supporting pathogenic, (I) - Information, (SB) - Supporting benign

Institute of Human Genetics Munich, TUM University Hospital
Classification: Pathogenic for Polydactyly, postaxial, type a7. Last evaluated: 2024-07-29. Review status: criteria provided, single submitter. Criteria: Classification criteria August 2017. Collection method: clinical testing. Allele origin: germline. Inheritance: Autosomal recessive inheritance. Affected: yes. Observed: 1 variant allele.

Genomic Medicine Center of Excellence, King Faisal Specialist Hospital and Research Centre
Classification: Pathogenic for Polydactyly, postaxial, type a7. Last evaluated: 2024-03-26. Review status: criteria provided, single submitter. Criteria: ACMG Guidelines, 2015. Collection method: clinical testing. Allele origin: germline.

Laboratory of Medical Genetics, National & Kapodistrian University of Athens
Classification: Pathogenic for Polydactyly, postaxial, type a7. Last evaluated: 2021-08-10. Review status: criteria provided, single submitter. Criteria: ACMG Guidelines, 2015. Collection method: clinical testing. Allele origin: paternal. Affected: yes.
Comment: PVS1, PM2, PP3, PP5

Laboratory of Medical Genetics (UMR_S 1112), INSERM/Strasbourg University
Classification: Pathogenic for Postaxial polydactyly; Brachydactyly; Syndactyly; Retinal degeneration. Last evaluated: 2019-02-01. Review status: criteria provided, single submitter. Criteria: Submitter's publication. Collection method: research. Allele origin: germline, paternal, maternal. Inheritance: Autosomal recessive inheritance. Affected: yes. Observed: 1 variant allele, 1 homozygote.

Laboratory of Medical Genetics (UMR_S 1112), INSERM/Strasbourg University
Classification: Pathogenic for Postaxial polydactyly. Last evaluated: 2019-02-01. Review status: criteria provided, single submitter. Criteria: Submitter's publication. Collection method: research. Allele origin: paternal, germline, inherited, maternal. Inheritance: Autosomal recessive inheritance. Affected: yes and no. Observed: 3 heterozygotes, 3 compound heterozygotes, 1 homozygote. Segregation with disease observed.

OMIM
Classification: Pathogenic for POLYDACTYLY, POSTAXIAL, TYPE A7. Last evaluated: 2020-09-11. Review status: no assertion criteria provided. Collection method: literature only. Allele origin: germline. Not counted in ClinVar's aggregate classification.

Clinical Genetics DNA and cytogenetics Diagnostics Lab, Erasmus MC, Erasmus Medical Center
Classification: Pathogenic. Review status: no assertion criteria provided. Collection method: clinical testing. Allele origin: germline. Affected: yes. Study: VKGL Data-share Consensus. Not counted in ClinVar's aggregate classification.

Diagnostic Laboratory, Department of Genetics, University Medical Center Groningen
Classification: Likely pathogenic. Review status: no assertion criteria provided. Collection method: clinical testing. Allele origin: germline. Affected: yes. Study: VKGL Data-share Consensus. Not counted in ClinVar's aggregate classification.

Department of Pathology and Laboratory Medicine, Sinai Health System
Classification: Uncertain significance for Polydactyly, postaxial, type a7. Last evaluated: 2022-10-14. Review status: flagged submission. Criteria: ACMG Guidelines, 2015. Collection method: research. Allele origin: germline. Not counted in ClinVar's aggregate classification.
ClinVar note: Reason: Outlier claim with insufficient supporting evidence

Literature cited by the submitters: PubMed 31549751 (cited by 3 submitters); PubMed 28488682 (cited by Victorian Clinical Genetics Services, Murdoch Childrens Research Institute); PubMed 35599849 (cited by Victorian Clinical Genetics Services, Murdoch Childrens Research Institute).